The following is an entry in ClinVar:

NM_012293.3(PXDN):c.1248C>A (p.Asn416Lys)

Gene: PXDN (peroxidasin; minus strand). Cytogenetic location: 2p25.3.
Variant type: single nucleotide variant.
Coding change: c.1248C>A on transcript NM_012293.3 (MANE Select); coding-DNA position 1248, C replaced by A.
Protein change: p.Asn416Lys; replaces asparagine 416 with lysine.
Molecular consequence: missense variant.
Genome position (GRCh38, 1-based): chr2:1,666,257, G>T on the plus strand (C>A on the coding strand, the complement: PXDN is on the minus strand). VCF-style: chr2-1666257-G-T. GRCh37 (hg19) VCF-style: chr2-1670029-G-T.
Other names: short protein forms N416K.
Identifiers: ClinVar variation 1939846 (VCV001939846.5), dbSNP rs1433910185, ClinGen allele CA345715899.

ClinVar aggregate classification (germline): Uncertain significance (1 of 4 stars; one submission).

Conditions:
Anterior segment dysgenesis 7 (ASGD7). Also called: SCLEROCORNEA WITH OTHER OCULAR ANOMALIES; Anterior segment dysgenesis 7, with sclerocornea. Identifiers: Orphanet 289499, MedGen C3151617, MONDO:0010015, OMIM 269400.

gnomAD v4.1: 1 of 1,614,060 alleles (0.000062%); highest among the groups gnomAD compares: Non-Finnish European, 0.000085%; no homozygotes.

Submission:

Labcorp Genetics (formerly Invitae), Labcorp
Classification: Uncertain significance for Anterior segment dysgenesis 7. Last evaluated: 2022-05-30. Review status: criteria provided, single submitter. Criteria: Invitae Variant Classification Sherloc (09022015). Collection method: clinical testing. Allele origin: germline.
Comment: In summary, the available evidence is currently insufficient to determine the role of this variant in disease. Therefore, it has been classified as a Variant of Uncertain Significance. Algorithms developed to predict the effect of missense changes on protein structure and function are either unavailable or do not agree on the potential impact of this missense change (SIFT: "Tolerated"; PolyPhen-2: "Probably Damaging"; Align-GVGD: "Class C0"). This variant has not been reported in the literature in individuals affected with PXDN-related conditions. This variant is not present in population databases (gnomAD no frequency). This sequence change replaces asparagine, which is neutral and polar, with lysine, which is basic and polar, at codon 416 of the PXDN protein (p.Asn416Lys).